The following is an entry in ClinVar:

NM_019892.6(INPP5E):c.1763A>G (p.Tyr588Cys)

Gene: INPP5E (inositol polyphosphate-5-phosphatase E; minus strand). Cytogenetic location: 9q34.3.
Variant type: single nucleotide variant.
Coding change: c.1763A>G on transcript NM_019892.6 (MANE Select); coding-DNA position 1763, A replaced by G.
Protein change: p.Tyr588Cys; replaces tyrosine 588 with cysteine.
Molecular consequence: missense variant.
Genome position (GRCh38, 1-based): chr9:136,430,316, T>C on the plus strand (A>G on the coding strand, the complement: INPP5E is on the minus strand). VCF-style: chr9-136430316-T-C. GRCh37 (hg19) VCF-style: chr9-139324768-T-C.
Other names: c.1760A>G, p.Tyr587Cys (NM_001318502.2); short protein forms Y588C, Y587C.
Identifiers: ClinVar variation 635031 (VCV000635031.1), dbSNP rs1564431175, ClinGen allele CA375561168.
Genomic context (GRCh38, chr9:136,430,316, plus strand): 5'-GGTGAGCGGGAGAACACTGACTTGTCTCGCCCCGGCCTCACTTTCACCCGGAAGAGGCCA[T>C]ACACAGGGCGGTGGTCGGACGTCTTGATCCCGGGGCAGGAAGAGTAGCTCACAGGACAGA-3'
Protein context (NP_063945.2, residues 578-598): GIKTSDHRPV[Tyr588Cys]GLFRVKVRPG

ClinVar aggregate classification (germline): Uncertain significance (1 of 4 stars; one submission).

Conditions:
Joubert syndrome 1 (JBTS1). Also called: Cerebellooculorenal syndrome 1; CEREBELLOPARENCHYMAL DISORDER IV. Identifiers: MedGen C4551568, MONDO:0008944, OMIM 213300.

Allele frequency attached by ClinVar (database versions not stated): gnomAD exomes below 0.00001.

Submission:

Broad Center for Mendelian Genomics, Broad Institute of MIT and Harvard
Classification: Uncertain significance for Joubert syndrome 1. Last evaluated: 2018-06-15. Review status: criteria provided, single submitter. Criteria: ACMG Guidelines, 2015. Collection method: research. Allele origin: germline. Inheritance: Autosomal recessive inheritance. Affected: yes.
Comment: This variant was absent from large population studies. The Tryptophan (Try) at position 588 is conserved in mammals but not evolutionarily distant species, slightly raising the possibility that this change at this position may not be tolerated. Computational prediction tools suggest that this variant may impact the protein, though this information is not predictive enough to determine pathogenicity. In summary, the clinical significance of this variant is uncertain.